The following is an entry in ClinVar:

ClinVar aggregate classification (germline): Pathogenic (1 of 4 stars; one submission).

Conditions:
Developmental and epileptic encephalopathy 94 (DEE94). Also called: CHD2-Related Neurodevelopmental Disorders; Epileptic encephalopathy, childhood-onset. Identifiers: Orphanet 1942, Orphanet 2382, MedGen C3809278, MONDO:0014150, OMIM 615369.

Submission:

Labcorp Genetics (formerly Invitae), Labcorp
Classification: Pathogenic for Developmental and epileptic encephalopathy 94. Last evaluated: 2022-02-03. Review status: criteria provided, single submitter. Criteria: Invitae Variant Classification Sherloc (09022015). Collection method: clinical testing. Allele origin: germline.
Comment: This sequence change creates a premature translational stop signal (p.Glu1058Argfs*20) in the CHD2 gene. It is expected to result in an absent or disrupted protein product. Loss-of-function variants in CHD2 are known to be pathogenic (PMID: 23708187, 24207121). For these reasons, this variant has been classified as Pathogenic. ClinVar contains an entry for this variant (Variation ID: 850311). This variant has not been reported in the literature in individuals affected with CHD2-related conditions. This variant is not present in population databases (gnomAD no frequency).

Literature cited by the submitters: PubMed 23708187; PubMed 24207121.

NM_001271.4(CHD2):c.3171_3172del (p.Glu1058fs)

Gene: CHD2 (chromodomain helicase DNA binding protein 2; plus strand). Cytogenetic location: 15q26.1.
Variant type: Deletion.
Coding change: c.3171_3172del on transcript NM_001271.4 (MANE Select); coding-DNA positions 3171 to 3172, 2 bases deleted (GG; older notation c.3171_3172delGG).
Protein change: p.Glu1058fs; shifts the reading frame from glutamic acid 1058.
Molecular consequence: frameshift variant.
Genome position (GRCh38, 1-based): chr15:92,984,434-92,984,435, GG deleted. VCF-style (leftmost placement, unchanged base first): chr15-92984433-AGG-A. GRCh37 (hg19) VCF-style: chr15-93527663-AGG-A.
Other names: short protein forms E1058fs.
Identifiers: ClinVar variation 850311 (VCV000850311.10), dbSNP rs2054015565, ClinGen allele CA916083454.
Genomic context (GRCh38, chr15:92,984,433, plus strand): 5'-AGCGTCCTCACAAGGACTGGGATGAGATCATTCCAGAGGAACAAAGGAAAAAAGTAGAGG[AGG>A]AAGAGCGGCAGAAGGAGCTAGAAGAAATTTATATGCTGCCTCGAATTCGGAGTTCCACTA-3'